The following is an entry in ClinVar:

NM_007373.4(SHOC2):c.53T>C (p.Val18Ala)

Gene: SHOC2 (SHOC2 leucine rich repeat scaffold protein; plus strand). Cytogenetic location: 10q25.2.
Variant type: single nucleotide variant.
Coding change: c.53T>C on transcript NM_007373.4 (MANE Select); coding-DNA position 53, T replaced by C.
Protein change: p.Val18Ala; replaces valine 18 with alanine.
Molecular consequence: missense variant.
Genome position (GRCh38, 1-based): chr10:110,964,411, T>C. VCF-style: chr10-110964411-T-C. GRCh37 (hg19) VCF-style: chr10-112724169-T-C.
Other names: c.53T>C, p.Val18Ala (NM_001269039.3, NM_001324336.2, NM_001324337.2); short protein forms V18A.
Identifiers: ClinVar variation 1747307 (VCV001747307.2), dbSNP rs2493837971, ClinGen allele CA378380715.

ClinVar aggregate classification (germline): Uncertain significance (1 of 4 stars; one submission).

Conditions:
Cardiovascular phenotype. Identifiers: MedGen CN230736.

Submission:

Ambry Genetics
Classification: Uncertain significance for Cardiovascular phenotype. Last evaluated: 2021-11-14. Review status: criteria provided, single submitter. Criteria: Ambry Variant Classification Scheme 2023. Collection method: clinical testing. Allele origin: germline.
Comment: The p.V18A variant (also known as c.53T>C), located in coding exon 1 of the SHOC2 gene, results from a T to C substitution at nucleotide position 53. The valine at codon 18 is replaced by alanine, an amino acid with similar properties. This amino acid position is conserved. In addition, this alteration is predicted to be tolerated by in silico analysis. Since supporting evidence is limited at this time, the clinical significance of this alteration remains unclear.